The following is an entry in ClinVar:

ClinVar aggregate classification (germline): Uncertain significance. Review status: criteria provided, multiple submitters, no conflicts (2 of 4 stars). 4 submissions from 4 submitters: Uncertain significance (4). Last evaluated 2025-06-13.

Conditions:
Arrhythmogenic right ventricular dysplasia 12. Also called: ARRHYTHMOGENIC RIGHT VENTRICULAR DYSPLASIA, FAMILIAL, 12. Identifiers: MedGen C1969081, MONDO:0012684, OMIM 611528.
Naxos disease (NXD). Also called: WOOLLY HAIR, PALMOPLANTAR KERATODERMA, AND CARDIAC ABNORMALITIES; PALMOPLANTAR KERATODERMA WITH ARRHYTHMOGENIC RIGHT VENTRICULAR CARDIOMYOPATHY AND WOOLLY HAIR; KERATOSIS PALMOPLANTARIS WITH ARRHYTHMOGENIC CARDIOMYOPATHY; MAL DE NAXOS; CARDIOMYOPATHY, ARRHYTHMOGENIC RIGHT VENTRICULAR, WITH SKIN, HAIR, AND NAIL ABNORMALITIES. Identifiers: Orphanet 34217, MedGen C1832600, MONDO:0011017, OMIM 601214.
Cardiomyopathy (CMYO). Also called: Cardiomyopathies. Identifiers: Orphanet 167848, MedGen C0878544, MONDO:0004994, HP:0001638. Inheritance: Various modes of inheritance.
Cardiovascular phenotype. Identifiers: MedGen CN230736.

Allele frequency attached by ClinVar (database versions not stated): gnomAD exomes below 0.00001 and 0.00001; ExAC 0.00001; gnomAD 0.00001; TOPMed 0.00002.
gnomAD v4.1: 23 of 1,611,342 alleles (0.0014%); highest among the groups gnomAD compares: East Asian, 0.0022%; no homozygotes.

Submissions (4):

Ambry Genetics
Classification: Uncertain significance for Cardiovascular phenotype. Last evaluated: 2025-06-13. Review status: criteria provided, single submitter. Criteria: Ambry Variant Classification Scheme 2023. Collection method: clinical testing. Allele origin: germline.
Comment: The p.A188T variant (also known as c.562G>A), located in coding exon 3 of the JUP gene, results from a G to A substitution at nucleotide position 562. The alanine at codon 188 is replaced by threonine, an amino acid with similar properties. This alteration has been reported in a dilated cardiomyopathy (DCM) cohort (Mazzarotto F et al. Circulation, 2020 02;141:387-398). This amino acid position is highly conserved in available vertebrate species. In addition, the in silico prediction for this alteration is inconclusive. Based on the available evidence, the clinical significance of this variant remains unclear.

Blueprint Genetics
Classification: Uncertain significance. Last evaluated: 2024-07-03. Review status: criteria provided, single submitter. Criteria: ACMG Guidelines, 2015. Collection method: clinical testing. Allele origin: germline.

Labcorp Genetics (formerly Invitae), Labcorp
Classification: Uncertain significance for Arrhythmogenic right ventricular dysplasia 12; Naxos disease. Last evaluated: 2023-06-24. Review status: criteria provided, single submitter. Criteria: Invitae Variant Classification Sherloc (09022015). Collection method: clinical testing. Allele origin: germline.
Comment: This sequence change replaces alanine, which is neutral and non-polar, with threonine, which is neutral and polar, at codon 188 of the JUP protein (p.Ala188Thr). The frequency data for this variant in the population databases is considered unreliable, as metrics indicate poor data quality at this position in the gnomAD database. This missense change has been observed in individual(s) with dilated cardiomyopathy (PMID: 31983221). ClinVar contains an entry for this variant (Variation ID: 536632). An algorithm developed to predict the effect of missense changes on protein structure and function (PolyPhen-2) suggests that this variant¬†is likely to be tolerated. In summary, the available evidence is currently insufficient to determine the role of this variant in disease. Therefore, it has been classified as a Variant of Uncertain Significance.

CHEO Genetics Diagnostic Laboratory, Children's Hospital of Eastern Ontario
Classification: Uncertain significance for Cardiomyopathy. Last evaluated: 2020-04-20. Review status: criteria provided, single submitter. Criteria: ACMG Guidelines, 2015. Collection method: clinical testing. Allele origin: germline.

Literature cited by the submitters: PubMed 31983221 (cited by Ambry Genetics and Labcorp Genetics (formerly Invitae), Labcorp).

NM_002230.4(JUP):c.562G>A (p.Ala188Thr)

Gene: JUP (junction plakoglobin; minus strand). Cytogenetic location: 17q21.2.
Variant type: single nucleotide variant.
Coding change: c.562G>A on transcript NM_002230.4 (MANE Select); coding-DNA position 562, G replaced by A.
Protein change: p.Ala188Thr; replaces alanine 188 with threonine.
Molecular consequence: missense variant.
Genome position (GRCh38, 1-based): chr17:41,769,114, C>T on the plus strand (G>A on the coding strand, the complement: JUP is on the minus strand). VCF-style: chr17-41769114-C-T. GRCh37 (hg19) VCF-style: chr17-39925366-C-T.
Other names: c.562G>A, p.Ala188Thr (NM_001352773.2, NM_001352774.2, NM_001352775.2 and 3 more transcripts); short protein forms A188T.
Identifiers: ClinVar variation 536632 (VCV000536632.10), dbSNP rs782585387, ClinGen allele CA8565445.